The following is an entry in ClinVar:

ClinVar aggregate classification (germline): Uncertain significance (1 of 4 stars; one submission).

Allele frequency attached by ClinVar (database versions not stated): gnomAD exomes below 0.00001.
gnomAD v4.1: 6 of 1,605,624 alleles (0.00037%); highest among the groups gnomAD compares: South Asian, 0.0033%; no homozygotes.

Submission:

CeGaT Center for Human Genetics Tuebingen
Classification: Uncertain significance. Last evaluated: 2022-10-01. Review status: criteria provided, single submitter. Criteria: CeGaT Center For Human Genetics Tuebingen Variant Classification Criteria Version 2. Collection method: clinical testing. Allele origin: germline. Affected: yes. Observed: 1 variant allele.
Comment: TNXB: PM2

NM_001365276.2(TNXB):c.3392A>G (p.Tyr1131Cys)

Gene: TNXB (tenascin XB; minus strand). Cytogenetic location: 6p21.33.
Variant type: single nucleotide variant.
Coding change: c.3392A>G on transcript NM_001365276.2 (MANE Select); coding-DNA position 3392, A replaced by G.
Protein change: p.Tyr1131Cys; replaces tyrosine 1131 with cysteine.
Molecular consequence: missense variant.
Genome position (GRCh38, 1-based): chr6:32,084,466, T>C on the plus strand (A>G on the coding strand, the complement: TNXB is on the minus strand). VCF-style: chr6-32084466-T-C. GRCh37 (hg19) VCF-style: chr6-32052243-T-C.
Other names: c.3392A>G, p.Tyr1131Cys (NM_019105.8); short protein forms Y1131C.
Identifiers: ClinVar variation 1879653 (VCV001879653.29), dbSNP rs768297553, ClinGen allele CA136898256.